The following is an entry in ClinVar:

NM_053274.3(GLMN):c.1141-1G>A

Gene: GLMN (glomulin, FKBP associated protein; minus strand). Cytogenetic location: 1p22.1.
Variant type: single nucleotide variant.
Coding change: c.1141-1G>A on transcript NM_053274.3 (MANE Select); the canonical splice acceptor site of the intron before coding-DNA position 1141, G replaced by A.
Molecular consequence: splice acceptor variant.
Genome position (GRCh38, 1-based): chr1:92,266,493, C>T on the plus strand (G>A on the coding strand, the complement: GLMN is on the minus strand). VCF-style: chr1-92266493-C-T. GRCh37 (hg19) VCF-style: chr1-92732050-C-T.
Other names: c.1099-1G>A (NM_001319683.2).
Identifiers: ClinVar variation 1334667 (VCV001334667.4), dbSNP rs1375310236, ClinGen allele CA341099861.

ClinVar aggregate classification (germline): Likely pathogenic (1 of 4 stars; one submission).

Conditions:
Glomuvenous malformation. Also called: VENOUS MALFORMATIONS WITH GLOMUS CELLS; Familial glomangioma; GLOMANGIOMAS, MULTIPLE; GLOMUS TUMORS, MULTIPLE. Identifiers: Orphanet 83454, MedGen C1841984, MONDO:0007672, OMIM 138000.

Allele frequency attached by ClinVar (database versions not stated): gnomAD exomes below 0.00001; gnomAD 0.00001 and 0.00002; TOPMed 0.00001.

Submission:

Greenwood Genetic Center Diagnostic Laboratories, Greenwood Genetic Center
Classification: Likely pathogenic for Glomuvenous malformation. Last evaluated: 2021-04-19. Review status: criteria provided, single submitter. Criteria: ACMG Guidelines, 2015. Collection method: clinical testing. Allele origin: germline. Affected: yes.
Comment: PVS1, PM2